The following is an entry in ClinVar:

NM_175914.4(HNF4A):c.-401G>A

Gene: HNF4A (hepatocyte nuclear factor 4 alpha; plus strand). Cytogenetic location: 20q13.12.
Variant type: single nucleotide variant.
Coding change: c.-401G>A on transcript NM_175914.4; 401 bases upstream of the start codon, G replaced by A.
Genome position (GRCh38, 1-based): chr20:44,355,404, G>A. VCF-style: chr20-44355404-G-A. GRCh37 (hg19) VCF-style: chr20-42984044-G-A.
Identifiers: ClinVar variation 435431 (VCV000435431.11), dbSNP rs537336047, ClinGen allele CA315390374.
Genomic context (GRCh38, chr20:44,355,404, plus strand): 5'-TTCCTCTGCCCCTCCCTCGGTTTTCCCACTACTTCCTGCATGGTGACACACCCATAGTTT[G>A]GAGCCATAAAACCCAACCCAGGTTGGACTCTCACCTCTCCAGCCCCTTCTGCTCCGGCCC-3'

ClinVar aggregate classification (germline): Conflicting classifications of pathogenicity. Review status: criteria provided, conflicting classifications (1 of 4 stars). 3 submissions from 3 submitters: Uncertain significance (1); Likely benign (2). Last evaluated 2018-07-15.

Conditions:
Maturity-onset diabetes of the young (MODY). Also called: Maturity onset diabetes mellitus in young. Identifiers: Orphanet 552, MedGen C0342276, MONDO:0018911, HP:0004904.

Allele frequency attached by ClinVar (database versions not stated): gnomAD 0.00320 and 0.00291; 1000 Genomes Project 30x 0.00047; TOPMed 0.00319; 1000 Genomes Project 0.00060.

Submissions (3):

GeneDx
Classification: Likely benign. Last evaluated: 2018-07-15. Review status: criteria provided, single submitter. Criteria: GeneDx Variant Classification Process June 2021. Collection method: clinical testing. Allele origin: germline. Affected: yes.

Genetic Services Laboratory, University of Chicago
Classification: Uncertain significance. Last evaluated: 2017-05-19. Review status: criteria provided, single submitter. Criteria: ACMG Guidelines, 2015. Collection method: clinical testing. Allele origin: germline. Affected: no.

Clinical Genomics, Uppaluri K&H Personalized Medicine Clinic
Classification: Likely benign for Maturity-onset diabetes of the young. Review status: criteria provided, single submitter. Criteria: K & H Uppaluri Personalized Medicine Clinic Variant Classification & Assertion Criteria_Updated V.1. Collection method: research. Allele origin: unknown. Inheritance: Autosomal dominant inheritance.
Comment: Potent mutations in HNF4A are associated with poor insulin secretion in response to hyperglycemia. Associated with MODY1. Patients initially respond well to sulfonylureas but eventually become insulin dependent. However, more evidence is required to ascertain the role of this particular variant rs537336047 in MODY, yet.

Literature cited by the submitters: DOI 10.1159/000334532 (cited by Clinical Genomics, Uppaluri K&H Personalized Medicine Clinic); PubMed 18268044 (cited by Clinical Genomics, Uppaluri K&H Personalized Medicine Clinic); PubMed 17563455 (cited by Clinical Genomics, Uppaluri K&H Personalized Medicine Clinic); PubMed 32583173 (cited by Clinical Genomics, Uppaluri K&H Personalized Medicine Clinic); PubMed 35052457 (cited by Clinical Genomics, Uppaluri K&H Personalized Medicine Clinic); PubMed 35118593 (cited by Clinical Genomics, Uppaluri K&H Personalized Medicine Clinic).